The following is an entry in ClinVar:

NM_001378454.1(ALMS1):c.3488A>T (p.His1163Leu)

Gene: ALMS1 (ALMS1 centrosome and basal body associated protein; plus strand). Cytogenetic location: 2p13.1.
Variant type: single nucleotide variant.
Coding change: c.3488A>T on transcript NM_001378454.1 (MANE Select); coding-DNA position 3488, A replaced by T.
Protein change: p.His1163Leu; replaces histidine 1163 with leucine.
Molecular consequence: missense variant.
Genome position (GRCh38, 1-based): chr2:73,450,015, A>T. VCF-style: chr2-73450015-A-T. GRCh37 (hg19) VCF-style: chr2-73677142-A-T.
Other names: c.3491A>T, p.His1164Leu (NM_015120.4); short protein forms H1163L, H1164L.
Identifiers: ClinVar variation 1731938 (VCV001731938.4), dbSNP rs779096125, ClinGen allele CA1713535.

ClinVar aggregate classification (germline): Uncertain significance. Review status: criteria provided, multiple submitters, no conflicts (2 of 4 stars). 2 submissions from 2 submitters: Uncertain significance (2). Last evaluated 2022-07-29.

Conditions:
Cardiovascular phenotype. Identifiers: MedGen CN230736.
Alstrom syndrome (ALMS). Identifiers: Orphanet 64, MedGen C0268425, MONDO:0008763, OMIM 203800.

Allele frequency attached by ClinVar (database versions not stated): ExAC 0.00001; gnomAD 0.00001; TOPMed 0.00001.
gnomAD v4.1: 13 of 1,613,912 alleles (0.00081%); highest among the groups gnomAD compares: Non-Finnish European, 0.0011%; no homozygotes.

Submissions (2):

Labcorp Genetics (formerly Invitae), Labcorp
Classification: Uncertain significance for Alstrom syndrome. Last evaluated: 2022-07-29. Review status: criteria provided, single submitter. Criteria: Invitae Variant Classification Sherloc (09022015). Collection method: clinical testing. Allele origin: germline.
Comment: This sequence change replaces histidine, which is basic and polar, with leucine, which is neutral and non-polar, at codon 1164 of the ALMS1 protein (p.His1164Leu). This variant is present in population databases (rs779096125, gnomAD 0.002%). This variant has not been reported in the literature in individuals affected with ALMS1-related conditions. Experimental studies and prediction algorithms are not available or were not evaluated, and the functional significance of this variant is currently unknown. In summary, the available evidence is currently insufficient to determine the role of this variant in disease. Therefore, it has been classified as a Variant of Uncertain Significance.

Ambry Genetics
Classification: Uncertain significance for Cardiovascular phenotype. Last evaluated: 2021-11-05. Review status: criteria provided, single submitter. Criteria: Ambry Variant Classification Scheme 2023. Collection method: clinical testing. Allele origin: germline.
Comment: The p.H1164L variant (also known as c.3491A>T), located in coding exon 8 of the ALMS1 gene, results from an A to T substitution at nucleotide position 3491. The histidine at codon 1164 is replaced by leucine, an amino acid with similar properties. This amino acid position is not well conserved in available vertebrate species. In addition, this alteration is predicted to be tolerated by in silico analysis. Since supporting evidence is limited at this time, the clinical significance of this alteration remains unclear.